The following is an entry in ClinVar:

ClinVar aggregate classification (germline): Uncertain significance. Review status: criteria provided, multiple submitters, no conflicts (2 of 4 stars). 3 submissions from 3 submitters: Uncertain significance (3). Last evaluated 2026-01-22.

Conditions:
Hereditary cancer-predisposing syndrome. Also called: Neoplastic Syndromes, Hereditary; Tumor predisposition; Hereditary Cancer Syndrome; Hereditary neoplastic syndrome. Identifiers: Orphanet 140162, MedGen C0027672, MeSH D009386, MONDO:0015356.
BAP1-related tumor predisposition syndrome (TPDS1). Also called: BAP1 tumor predisposition syndrome; COMMON Syndrome; TUMOR PREDISPOSITION SYNDROME 1; Tumor susceptibility linked to germline BAP1 mutations. Identifiers: Orphanet 289539, MedGen C3280492, MONDO:0013692, OMIM 614327.

Allele frequency attached by ClinVar (database versions not stated): gnomAD exomes below 0.00001; TOPMed below 0.00001; ExAC 0.00001; gnomAD 0.00001.
gnomAD v4.1: 3 of 1,613,862 alleles (0.00019%); highest among the groups gnomAD compares: African/African-American, 0.004%; no homozygotes.

Submissions (3):

Labcorp Genetics (formerly Invitae), Labcorp
Classification: Uncertain significance for BAP1-related tumor predisposition syndrome. Last evaluated: 2026-01-22. Review status: criteria provided, single submitter. Criteria: Invitae Variant Classification Sherloc (09022015). Collection method: clinical testing. Allele origin: germline.
Comment: This sequence change replaces threonine, which is neutral and polar, with serine, which is neutral and polar, at codon 119 of the BAP1 protein (p.Thr119Ser). This variant is present in population databases (rs762084469, gnomAD 0.007%). This variant has not been reported in the literature in individuals affected with BAP1-related conditions. ClinVar contains an entry for this variant (Variation ID: 472697). Invitae Evidence Modeling of protein sequence and biophysical properties (such as structural, functional, and spatial information, amino acid conservation, physicochemical variation, residue mobility, and thermodynamic stability) indicates that this missense variant is not expected to disrupt BAP1 protein function with a negative predictive value of 80%. In summary, the available evidence is currently insufficient to determine the role of this variant in disease. Therefore, it has been classified as a Variant of Uncertain Significance.

Ambry Genetics
Classification: Uncertain significance for Hereditary cancer-predisposing syndrome. Last evaluated: 2024-11-13. Review status: criteria provided, single submitter. Criteria: Ambry Variant Classification Scheme 2023. Collection method: clinical testing. Allele origin: germline.
Comment: The p.T119S variant (also known as c.356C>G), located in coding exon 5 of the BAP1 gene, results from a C to G substitution at nucleotide position 356. The threonine at codon 119 is replaced by serine, an amino acid with similar properties. This amino acid position is highly conserved in available vertebrate species. In addition, this alteration is predicted to be tolerated by in silico analysis. Based on the available evidence, the clinical significance of this variant remains unclear.

Color Diagnostics, LLC DBA Color Health
Classification: Uncertain significance for Hereditary cancer-predisposing syndrome. Last evaluated: 2023-12-04. Review status: criteria provided, single submitter. Criteria: ACMG Guidelines, 2015. Collection method: clinical testing. Allele origin: germline.
Comment: This missense variant replaces threonine with serine at codon 119 of the BAP1 protein. Computational prediction suggests that this variant may not impact protein structure and function (internally defined REVEL score threshold <= 0.5, PMID: 27666373). To our knowledge, functional studies have not been reported for this variant. This variant has not been reported in individuals affected with BAP1-related disorders in the literature. This variant has been identified in 1/251160 chromosomes in the general population by the Genome Aggregation Database (gnomAD). The available evidence is insufficient to determine the role of this variant in disease conclusively. Therefore, this variant is classified as a Variant of Uncertain Significance.

NM_004656.4(BAP1):c.356C>G (p.Thr119Ser)

Gene: BAP1 (BRCA1 associated deubiquitinase 1; minus strand). Cytogenetic location: 3p21.1.
Variant type: single nucleotide variant.
Coding change: c.356C>G on transcript NM_004656.4 (MANE Select); coding-DNA position 356, C replaced by G.
Protein change: p.Thr119Ser; replaces threonine 119 with serine.
Molecular consequence: missense variant.
Genome position (GRCh38, 1-based): chr3:52,407,977, G>C on the plus strand (C>G on the coding strand, the complement: BAP1 is on the minus strand). VCF-style: chr3-52407977-G-C. GRCh37 (hg19) VCF-style: chr3-52441993-G-C.
Other names: short protein forms T119S.
Identifiers: ClinVar variation 472697 (VCV000472697.12), dbSNP rs762084469, ClinGen allele CA2437120.